The following is an entry in ClinVar:

ClinVar aggregate classification (germline): Uncertain significance (1 of 4 stars; one submission).

Allele frequency attached by ClinVar (database versions not stated): gnomAD 0.00001; TOPMed 0.00001.
gnomAD v4.1: 17 of 1,602,528 alleles (0.0011%); highest among the groups gnomAD compares: Non-Finnish European, 0.0015%; no homozygotes.

Submission:

Labcorp Genetics (formerly Invitae), Labcorp
Classification: Uncertain significance. Last evaluated: 2023-10-05. Review status: criteria provided, single submitter. Criteria: Invitae Variant Classification Sherloc (09022015). Collection method: clinical testing. Allele origin: germline.
Comment: This sequence change replaces methionine, which is neutral and non-polar, with isoleucine, which is neutral and non-polar, at codon 421 of the IFT74 protein (p.Met421Ile). This variant is present in population databases (no rsID available, gnomAD 0.002%). This variant has not been reported in the literature in individuals affected with IFT74-related conditions. An algorithm developed to predict the effect of missense changes on protein structure and function (PolyPhen-2) suggests that this variant¬†is likely to be tolerated. In summary, the available evidence is currently insufficient to determine the role of this variant in disease. Therefore, it has been classified as a Variant of Uncertain Significance.

NM_025103.4(IFT74):c.1263G>A (p.Met421Ile)

Gene: IFT74 (intraflagellar transport 74; plus strand). Cytogenetic location: 9p21.2.
Variant type: single nucleotide variant.
Coding change: c.1263G>A on transcript NM_025103.4 (MANE Select); coding-DNA position 1263, G replaced by A.
Protein change: p.Met421Ile; replaces methionine 421 with isoleucine.
Molecular consequence: missense variant.
Genome position (GRCh38, 1-based): chr9:27,048,204, G>A. VCF-style: chr9-27048204-G-A. GRCh37 (hg19) VCF-style: chr9-27048202-G-A.
Other names: c.1263G>A, p.Met421Ile (NM_001099222.3, NM_001099223.3, NM_001349928.2); short protein forms M421I.
Identifiers: ClinVar variation 3016645 (VCV003016645.1), dbSNP rs773704944, ClinGen allele CA191348612.
Genomic context (GRCh38, chr9:27,048,204, plus strand): 5'-GCAGAATATAAATCGTATAGAACAGATATCCTCTATCACCAATCAAGAGCTAAAGATGAT[G>A]CAGGATGACCTCAATTTTAAATCTACTGAAGTGCAGAAATCACAAAGTACAGCTCAGAAT-3'
Protein context (NP_079379.2, residues 411-431): SSITNQELKM[Met421Ile]QDDLNFKSTE